The following is an entry in ClinVar:

ClinVar aggregate classification (germline): Uncertain significance (1 of 4 stars; one submission).

Conditions:
Jeune thoracic dystrophy. Also called: Short-rib thoracic dysplasia; Jeune syndrome; Infantile thoracic dystrophy; Thoracic pelvic phalangeal dystrophy; Jeune's syndrome; Chondroectodermal dysplasia-like syndrome. Identifiers: Orphanet 474, MedGen C0265275, MONDO:0018770.

Submission:

Labcorp Genetics (formerly Invitae), Labcorp
Classification: Uncertain significance for Jeune thoracic dystrophy. Last evaluated: 2022-05-31. Review status: criteria provided, single submitter. Criteria: Invitae Variant Classification Sherloc (09022015). Collection method: clinical testing. Allele origin: germline.
Comment: This sequence change replaces tryptophan, which is neutral and slightly polar, with arginine, which is basic and polar, at codon 40 of the IFT80 protein (p.Trp40Arg). This variant is not present in population databases (gnomAD no frequency). This variant has not been reported in the literature in individuals affected with IFT80-related conditions. Algorithms developed to predict the effect of missense changes on protein structure and function are either unavailable or do not agree on the potential impact of this missense change (SIFT: "Deleterious"; PolyPhen-2: "Probably Damaging"; Align-GVGD: "Class C0"). In summary, the available evidence is currently insufficient to determine the role of this variant in disease. Therefore, it has been classified as a Variant of Uncertain Significance.

NM_020800.3(IFT80):c.118T>A (p.Trp40Arg)

Genes: IFT80 (intraflagellar transport 80; minus strand), TRIM59-IFT80 (TRIM59-IFT80 readthrough (NMD candidate); minus strand). Cytogenetic location: 3q25.33.
Variant type: single nucleotide variant.
Coding change: c.118T>A on transcript NM_020800.3 (MANE Select); coding-DNA position 118, T replaced by A.
Protein change: p.Trp40Arg; replaces tryptophan 40 with arginine.
Molecular consequence: missense variant. On other transcripts: non-coding transcript variant (2), 5 prime UTR variant (2).
Genome position (GRCh38, 1-based): chr3:160,381,644, A>T on the plus strand (T>A on the coding strand, the complement: IFT80 is on the minus strand). VCF-style: chr3-160381644-A-T. GRCh37 (hg19) VCF-style: chr3-160099432-A-T.
Other names: c.-294T>A (NM_001190241.2, NM_001190242.2); short protein forms W40R.
Identifiers: ClinVar variation 2001469 (VCV002001469.4), dbSNP rs2473512091, ClinGen allele CA355195034.
Genomic context (GRCh38, chr3:160,381,644, plus strand): 5'-TAGGGTAAATATCATCAGGAAGCTTTACTATTTGAGTTGTTTCACTGGTTAACAAGTTCC[A>T]CTTCACTATCTGGTGATCATCACTACATGAATACAGCTCTTCAGCAGTAGTCCAGCCCAC-3'
Protein context (NP_065851.1, residues 30-50): SCSDDHQIVK[Trp40Arg]NLLTSETTQI